The following continues an entry in ClinVar:

NM_001243133.2(NLRP3):c.592G>A (p.Val198Met)

Gene: NLRP3. ClinVar aggregate classification (germline): Conflicting classifications of pathogenicity. Uncertain significance (9); Benign (2); Likely benign (8).

Submissions 13 to 22 of 22:

Center for Genomics, Ann and Robert H. Lurie Children's Hospital of Chicago
Classification: Uncertain significance for Chronic infantile neurological, cutaneous and articular syndrome; Familial cold autoinflammatory syndrome 1; Familial amyloid nephropathy with urticaria AND deafness. Last evaluated: 2020-02-13. Review status: criteria provided, single submitter. Criteria: ACMG Guidelines, 2015. Collection method: clinical testing. Allele origin: germline.
Comment: NLRP3 NM_004895.4 exon 3 p.Val200Met (c.598G>A): This variant has been reported in the literature in the heterozygous and double heterozygous state in several individuals with clinical features consistent with NLRP3 related abnormal inflammatory response (e.g. Familial Cold Autoinflammatory Syndrome, Muckle-Wells syndrome) (Hoffman 2001 PMID:11687797, Aganna 2002 PMID:12355493, Loock 2010 PMID:20159265, Yuksel 2014 PMID:24135410, Kemmerle-Deschner 2015 PMID:26531310, Neocleous 2016 PMID: 27994174). In some reports, the variant also segregated in other family members with variable clinical features of disease. However, this variant is present in 2.4% (588/25096) of Finnish alleles, including 6 homozygotes in the Genome Aggregation Database. This variant is present in ClinVar with several discrepant classifications from "Benign to Variant of Uncertain Significance" (Variation ID:4371). This variant amino acid Methionine (Met) is present in several species and is not well conserved among evolutionarily distant species; this suggests that this variant may not impact the protein. Additional computational prediction tools do not suggest an impact. Functional studies suggest that this variant will impact the protein NLRP3/cryopyrin inflammosome (Yuksel 2014 PMID:24135410); however, further studies are needed to understand its impact. Of note, at least 2 authors in the literature suggest that this variant may act as a risk allele or low penetrance variant (Aganna 2002 PMID:12355493, Yuksel 2014 PMID:24135410). In summary, data on this variant is insufficient for disease classification. Therefore, the clinical significance of this variant is uncertain.

GeneDx
Classification: Uncertain significance. Last evaluated: 2020-01-10. Review status: criteria provided, single submitter. Criteria: GeneDx Variant Classification Process June 2021. Collection method: clinical testing. Allele origin: germline. Affected: yes.
Comment: Published functional studies demonstrate that the V200M variant results in moderate increase of interleukin-1 beta secretion, and NLRP3/cryopyrin inflammosome activation (Yuksel et al., 2014); Is considered by some as a risk allele or variant with reduced penetrance (Aksentijevich et al., 2007; Yuksel et al., 2014; Kuemmerle-Deschner et al., 2017); In silico analysis, which includes protein predictors and evolutionary conservation, supports that this variant does not alter protein structure/function; This variant is associated with the following publications: (PMID: 24123366, 26531310, 30407166, 17393462, 24135410, 25988833, 23421920, 12355493, 20159265, 26020059, 25596455, 15334488, 11687797, 17038455, 22566169, 27994174, 29159471, 29922587, 28692792, 31858722, 30783801, 31036385, 31769854, 31410474, 14872505)

Genomic Research Center, Shahid Beheshti University of Medical Sciences
Classification: Likely benign for Familial cold urticaria. Last evaluated: 2019-04-27. Review status: criteria provided, single submitter. Criteria: ACMG Guidelines, 2015. Collection method: clinical testing. Allele origin: unknown. Affected: yes.

Genomic Research Center, Shahid Beheshti University of Medical Sciences
Classification: Likely benign for DEAFNESS, AUTOSOMAL DOMINANT 34, WITH OR WITHOUT INFLAMMATION. Last evaluated: 2019-04-27. Review status: criteria provided, single submitter. Criteria: ACMG Guidelines, 2015. Collection method: clinical testing. Allele origin: unknown. Affected: yes.

Laboratory for Molecular Medicine, Mass General Brigham Personalized Medicine
Classification: Likely benign. Last evaluated: 2018-02-10. Review status: criteria provided, single submitter. Criteria: LMM Criteria. Collection method: clinical testing. Allele origin: germline. Observed: 4 variant alleles.
Comment: p.Val200Met in exon 5 of NLRP3: This variant (also reported as p.Val198Met) is n ot expected to have clinical significance because it has been identified in 0.85 % (2343/276948) of the total chromosomes in the Genome Aggregation Database incl uding 19 homozygotes. The highest allele frequency was 2.38% (613/25766) of Fin nish chromosomes by the Genome Aggregation Database (gnomAD; dbSNP rs121908147). The NLRP3 gene is associated with cryopyrin associated periodic syndrome (CAPS) which has an estimated prevalence of 1 in 36 0,000 (Orphanet,, Orpha # 208650). While this variant has been reported in many individuals with features of CAPS and has been reported as a "low-penetrance allele", the variant was also identified in controls and unaf fected family members (Aggana 2002, Rowczenio 2013, Hoffman 2001, Look 2010, Lev y 2015). Furthermore, the frequency of the variant in the affected individuals in several studies was similar to the frequency of the variant in the Genome Agg regation Database (Kone-Paut 2007, Jesus 2012, Rowczenio 2013, Schuh 2015). One study found that in transfected embryonal kidney cells with the p.Val200Met var iant, IL-1? secretion was significantly increased compared to wild-type transfe cted cells (Yuksel 2014). However, another study found that patients with Val19 8Met and other variants described as low-penetrance alleles had similar response s as controls to inflammasome stimulation, compared with patients with clearly p athogenic NLRP3 variants (Rieber 2015). Furthermore, the valine (Val) residue a t position 200 is not conserved through species with >10 mammals having a methio nine (Met) at this position. In summary, due to the high frequency of the varia nt in the general population compared to the low estimated prevalence of CAPS, a nd the absence of enrichment of the variant in affected individuals, this varian t is likely benign. ACMG/AMP criteria applied: BS1, BS4, BP4.

Center for Pediatric Genomic Medicine, Children's Mercy Hospital and Clinics
Classification: Likely benign. Last evaluated: 2016-05-12. Review status: criteria provided, single submitter. Criteria: ACMG Guidelines, 2015. Collection method: clinical testing. Allele origin: germline.
ClinVar note: Converted during submission from Likely Benign to Likely benign.

Center for Genomics, Ann and Robert H. Lurie Children's Hospital of Chicago
Classification: Uncertain significance for Chronic infantile neurological, cutaneous and articular syndrome; Familial cold autoinflammatory syndrome 1; Keratitis fugax hereditaria; Hearing loss, autosomal dominant 34, with or without inflammation; Familial amyloid nephropathy with urticaria AND deafness. Review status: criteria provided, single submitter. Criteria: ACMG Guidelines, 2015. Collection method: clinical testing. Allele origin: germline.
Comment: NLRP3 NM_004895.4 exon3 p.Val200Met (c.598G>A): This variant has been reported in the literature in the heterozygous and double heterozygous state in several individuals with clinical features consistent with NLRP3 related abnormal inflammatory response (e.g. Familial Cold Autoinflammatory Syndrome, Muckle-Wells syndrome) (Hoffman 2001 PMID:11687797, Aganna 2002 PMID:12355493, Loock 2010 PMID:20159265, Yuksel 2014 PMID:24135410, Kemmerle-Deschner 2015 PMID:26531310, Neocleous 2016 PMID: 27994174). In some reports, the variant also segregated in other family members with variable clinical features of disease. However, this variant is present in 2.4% (613/25766) of Finnish alleles, including 6 homozygotes in the Genome Aggregation Database. This variant is present in ClinVar with several discrepant classifications from "Benign to Variant of Uncertain Significance" (Variation ID:4371). This variant amino acid Methionine (Met) is present in several species and is not well conserved among evolutionarily distant species; this suggests that this variant may not impact the protein. Additional computational prediction tools do not suggest an impact. Functional studies suggest that this variant will impact the protein NLRP3/cryopyrin inflammosome (Yuksel 2014 PMID:24135410); however, further studies are needed to understand its impact. Of note, at least 2 authors in the literature suggest that this variant may act as a risk allele or low penetrance variant (Aganna 2002 PMID:12355493, Yuksel 2014 PMID:24135410). In summary, data on this variant is insufficient for disease classification. Therefore, the clinical significance of this variant is uncertain.

PreventionGenetics, part of Exact Sciences
Classification: Likely benign for NLRP3-related condition. Last evaluated: 2019-09-16. Review status: no assertion criteria provided. Collection method: clinical testing. Allele origin: germline. Not counted in ClinVar's aggregate classification.
Comment: This variant is classified as likely benign based on ACMG/AMP sequence variant interpretation guidelines (Richards et al. 2015 PMID: 25741868, with internal and published modifications).

OMIM
Classification: Pathogenic for FAMILIAL COLD AUTOINFLAMMATORY SYNDROME 1. Last evaluated: 2001-11-01. Review status: no assertion criteria provided. Collection method: literature only. Allele origin: germline. Not counted in ClinVar's aggregate classification.

Unité médicale des maladies autoinflammatoires, CHRU Montpellier
No classification provided. Condition: Familial cold urticaria. Review status: no classification provided. Collection method: not provided. Allele origin: unknown. Not counted in ClinVar's aggregate classification.
Comment: also involved in OMIM 191900 and 607115

Literature cited by the submitters: PubMed 11687797 (cited by 4 submitters); PubMed 12355493 (cited by 3 submitters); PubMed 14872505 (cited by Mayo Clinic Laboratories, Mayo Clinic and Laboratory for Molecular Medicine, Mass General Brigham Personalized Medicine); PubMed 17038455 (cited by 3 submitters); PubMed 20159265 (cited by 3 submitters); PubMed 22566169 (cited by 3 submitters); PubMed 22661645 (cited by Mayo Clinic Laboratories, Mayo Clinic); PubMed 23421920 (cited by 4 submitters); PubMed 24123366 (cited by Mayo Clinic Laboratories, Mayo Clinic and Laboratory for Molecular Medicine, Mass General Brigham Personalized Medicine); PubMed 24135410 (cited by 3 submitters); PubMed 25038238 (cited by 3 submitters); PubMed 25596455 (cited by 3 submitters); PubMed 25988833 (cited by Mayo Clinic Laboratories, Mayo Clinic); PubMed 26020059 (cited by 3 submitters); PubMed 26531310 (cited by Mayo Clinic Laboratories, Mayo Clinic and Laboratory for Molecular Medicine, Mass General Brigham Personalized Medicine); PubMed 27994174 (cited by 4 submitters); PubMed 28692792 (cited by 3 submitters); PubMed 29047407 (cited by Mayo Clinic Laboratories, Mayo Clinic); PubMed 29117789 (cited by Mayo Clinic Laboratories, Mayo Clinic); PubMed 29922587 (cited by Mayo Clinic Laboratories, Mayo Clinic and Athena Diagnostics); PubMed 30974290 (cited by Mayo Clinic Laboratories, Mayo Clinic); PubMed 35874679 (cited by Mayo Clinic Laboratories, Mayo Clinic); PubMed 37644591 (cited by Mayo Clinic Laboratories, Mayo Clinic); PubMed 38343435 (cited by Mayo Clinic Laboratories, Mayo Clinic); PubMed 39930093 (cited by Mayo Clinic Laboratories, Mayo Clinic); PubMed 40457054 (cited by Mayo Clinic Laboratories, Mayo Clinic); PubMed 28137891 (cited by Center for Genomic Medicine, Rigshospitalet, Copenhagen University Hospital); PubMed 11992256 (cited by Athena Diagnostics); PubMed 15593220 (cited by Athena Diagnostics); PubMed 17393462 (cited by Athena Diagnostics); PubMed 29159471 (cited by Athena Diagnostics); PubMed 30808881 (cited by Athena Diagnostics); PubMed 30407166 (cited by Athena Diagnostics); PubMed 17213252 (cited by Laboratory for Molecular Medicine, Mass General Brigham Personalized Medicine); PubMed 49161 (cited by Laboratory for Molecular Medicine, Mass General Brigham Personalized Medicine and OMIM).